The following is an entry in ClinVar:

NM_001372.4(DNAH9):c.1604A>G (p.Asp535Gly)

Gene: DNAH9 (dynein axonemal heavy chain 9; plus strand). Cytogenetic location: 17p12.
Variant type: single nucleotide variant.
Coding change: c.1604A>G on transcript NM_001372.4 (MANE Select); coding-DNA position 1604, A replaced by G.
Protein change: p.Asp535Gly; replaces aspartic acid 535 with glycine.
Molecular consequence: missense variant.
Genome position (GRCh38, 1-based): chr17:11,632,672, A>G. VCF-style: chr17-11632672-A-G. GRCh37 (hg19) VCF-style: chr17-11535989-A-G.
Other names: short protein forms D535G.
Identifiers: ClinVar variation 1505298 (VCV001505298.6), dbSNP rs145472121, ClinGen allele CA8394907.

ClinVar aggregate classification (germline): Uncertain significance. Review status: criteria provided, multiple submitters, no conflicts (2 of 4 stars). 2 submissions from 2 submitters: Uncertain significance (2). Last evaluated 2025-12-06.

Allele frequency attached by ClinVar (database versions not stated): gnomAD 0.00017 and 0.00019; TOPMed 0.00022; gnomAD exomes 0.00028; ExAC 0.00031; ESP Exome Variant Server 0.00031.
gnomAD v4.1: 422 of 1,605,832 alleles (0.026%); highest among the groups gnomAD compares: Non-Finnish European, 0.034%; no homozygotes.

Submissions (3):

Labcorp Genetics (formerly Invitae), Labcorp
Classification: Uncertain significance. Last evaluated: 2025-12-06. Review status: criteria provided, single submitter. Criteria: Invitae Variant Classification Sherloc (09022015). Collection method: clinical testing. Allele origin: germline.
Comment: This sequence change replaces aspartic acid, which is acidic and polar, with glycine, which is neutral and non-polar, at codon 535 of the DNAH9 protein (p.Asp535Gly). This variant is present in population databases (rs145472121, gnomAD 0.06%). This variant has not been reported in the literature in individuals affected with DNAH9-related conditions. ClinVar contains an entry for this variant (Variation ID: 1505298). An algorithm developed to predict the effect of missense changes on protein structure and function (PolyPhen-2) suggests that this variant is likely to be tolerated. In summary, the available evidence is currently insufficient to determine the role of this variant in disease. Therefore, it has been classified as a Variant of Uncertain Significance.

Blueprint Genetics
Classification: Uncertain significance. Last evaluated: 2024-11-22. Review status: criteria provided, single submitter. Criteria: ACMG Guidelines, 2015. Collection method: clinical testing. Allele origin: germline.

Dr. Peter K. Rogan Lab, Western University
No classification provided (evidence only). Condition: Melanoma. Review status: no classification provided. Collection method: in vitro. Allele origin: not applicable. Functional consequence: retained intron. Not counted in ClinVar's aggregate classification.